The following is an entry in ClinVar:

NM_000545.8(HNF1A):c.55T>G (p.Ser19Ala)

Gene: HNF1A (HNF1 homeobox A; plus strand). Cytogenetic location: 12q24.31.
Variant type: single nucleotide variant.
Coding change: c.55T>G on transcript NM_000545.8 (MANE Select); coding-DNA position 55, T replaced by G.
Protein change: p.Ser19Ala; replaces serine 19 with alanine.
Molecular consequence: missense variant.
Genome position (GRCh38, 1-based): chr12:120,978,823, T>G. VCF-style: chr12-120978823-T-G. GRCh37 (hg19) VCF-style: chr12-121416626-T-G.
Other names: NM_000545.8(HNF1A):c.55T>G; p.Ser19Ala; c.55T>G, p.Ser19Ala (NM_001306179.2); short protein forms S19A.
Identifiers: ClinVar variation 418252 (VCV000418252.8), dbSNP rs1064793150, ClinGen allele CA16619450.
Genomic context (GRCh38, chr12:120,978,823, plus strand): 5'-CGAGCCATGGTTTCTAAACTGAGCCAGCTGCAGACGGAGCTCCTGGCGGCCCTGCTCGAG[T>G]CAGGGCTGAGCAAAGAGGCACTGATCCAGGCACTGGGTGAGCCGGGGCCCTACCTCCTGG-3'
Protein context (NP_000536.6, residues 9-29): QTELLAALLE[Ser19Ala]GLSKEALIQA

ClinVar aggregate classification (germline): Uncertain significance. Review status: reviewed by expert panel (3 of 4 stars). 4 submissions from 4 submitters: Uncertain significance (1). 3 of the submissions do not count toward it. Last evaluated 2025-11-26.

Conditions:
Monogenic diabetes. Identifiers: Orphanet 183625, MedGen C3888631, MONDO:0015967.
Maturity-onset diabetes of the young (MODY). Also called: Maturity onset diabetes mellitus in young. Identifiers: Orphanet 552, MedGen C0342276, MONDO:0018911, HP:0004904.

Submissions (4):

ClinGen Monogenic Diabetes Variant Curation Expert Panel
Classification: Uncertain significance for Monogenic diabetes. Last evaluated: 2025-11-26. Review status: reviewed by expert panel. Criteria: ClinGen Diabetes ACMG Specifications HNF1A V3.1.0. Collection method: curation. Allele origin: germline. Inheritance: Autosomal dominant inheritance.
Comment: The c.55T>G variant in the HNF1 homeobox A gene, HNF1A, causes an amino acid change of serine to alanine at codon 19 (p.(Ser19Ala)) of NM_000545.8. This variant is located within the dimerization domain (codons 1-32) of HNF1A, which is defined as critical for the protein’s function by the ClinGen MDEP (PM1_Supporting). This variant is predicted to be deleterious by computational evidence, with a REVEL score of 0.835, which is greater than the MDEP VCEP threshold of 0.70 (PP3) and this variant is absent from gnomAD v4.1.0 (PM2_Supporting). This variant was identified in an individual with diabetes; however, the MODY probability is unable to be calculated due to lack of clinical information, and so PP4 cannot be applied (internal lab contributors). Another missense variant at the same residue, c.56C>T (p.Ser19Leu), has been classified by the ClinGen MDEP as VUS; therefore, PM5 does not apply. In summary, c.55T>G meets the criteria to be classified as a variant of uncertain significance for monogenic diabetes. ACMG/AMP criteria applied, as specified by the ClinGen MDEP (specification version 3.1.0, approved 10/10/2025): PM1_Supporting, PM2_Supporting, PP3.

ARUP Laboratories, Molecular Genetics and Genomics, ARUP Laboratories
Classification: Uncertain significance. Last evaluated: 2025-04-09. Review status: criteria provided, single submitter. Criteria: ARUP Molecular Germline Variant Investigation Process 2024. Collection method: clinical testing. Allele origin: germline. Not counted in ClinVar's aggregate classification.
Comment: The HNF1A c.55T>G; p.Ser19Ala variant (rs1064793150), to our knowledge, is not reported in the medical literature but is reported in ClinVar (Variation ID: 418252). This variant is absent from the Genome Aggregation Database (v2.1.1), indicating it is not a common polymorphism. Computational analyses predict that this variant is deleterious (REVEL: 0.835). However, given the lack of clinical and functional data, the significance of this variant is uncertain at this time.

GeneDx
Classification: Likely pathogenic. Last evaluated: 2014-10-13. Review status: criteria provided, single submitter. Criteria: GeneDx Variant Classification (06012015). Collection method: clinical testing. Allele origin: germline. Affected: yes. Not counted in ClinVar's aggregate classification.
Comment: This novel S19A variant has not been published as a pathogenic variant, nor has it been reported as a benign polymorphism to our knowledge. The S19A variant was not observed in approximately 6,400 individuals of European and African American ancestry in an external variant database, indicating it is not a common benign variant in these populations. The S19A variant is a non-conservative amino acid substitution, which is likely to impact secondary protein structure as these residues differ in polarity, charge, size and/or other properties. This substitution occurs at a position that is well conserved across species, and in silico analysis predicts this variant is probably damaging to the protein structure/function. Furthermore, missense variants in nearby residues (A15V, L16P, L17V, L17H, G20R, G20A) have been reported in the Human Gene Mutation Database in association with MODY (Stenson et al., 2014), supporting the functional importance of this region of the protein. Therefore, this is a strong candidate for a pathogenic variant, however the possibility that it is a benign variant cannot be excluded.

Clinical Genomics, Uppaluri K&H Personalized Medicine Clinic
Classification: Likely risk allele for Maturity-onset diabetes of the young. Review status: criteria provided, single submitter. Criteria: K & H Uppaluri Personalized Medicine Clinic Variant Classification & Assertion Criteria_Updated V.1. Collection method: research. Allele origin: unknown. Inheritance: Autosomal dominant inheritance. Not counted in ClinVar's aggregate classification.
Comment: Mutations in HNF1A gene can predispose to MODY3. It is associated with both micro and macrovascular complications of diabetes, especially cardiovascular complications. Associated with glucosuria. May respond well to sulfonylureas. However, more evidence is required to confer the association of this particular variant rs1064793150 with MODY3.

Literature cited by the submitters: PubMed 31517624 (cited by Clinical Genomics, Uppaluri K&H Personalized Medicine Clinic); PubMed 32395877 (cited by Clinical Genomics, Uppaluri K&H Personalized Medicine Clinic); PubMed 35328643 (cited by Clinical Genomics, Uppaluri K&H Personalized Medicine Clinic); PubMed 35673428 (cited by Clinical Genomics, Uppaluri K&H Personalized Medicine Clinic).